The following is an entry in ClinVar:

ClinVar aggregate classification (germline): Likely benign (0 of 4 stars; one submission).

Conditions:
SEMA3F-related disorder. Also called: SEMA3F-related condition.

gnomAD v4.1: 3 of 1,613,108 alleles (0.00019%); highest among the groups gnomAD compares: Non-Finnish European, 0.00025%; no homozygotes.

Submission:

PreventionGenetics, part of Exact Sciences
Classification: Likely benign for SEMA3F-related condition. Last evaluated: 2024-03-23. Review status: no assertion criteria provided. Collection method: clinical testing. Allele origin: germline.
Comment: This variant is classified as likely benign based on ACMG/AMP sequence variant interpretation guidelines (Richards et al. 2015 PMID: 25741868, with internal and published modifications).

NM_004186.5(SEMA3F):c.2001A>G (p.Ala667=)

Gene: SEMA3F (semaphorin 3F; plus strand). Cytogenetic location: 3p21.31.
Variant type: single nucleotide variant.
Coding change: c.2001A>G on transcript NM_004186.5 (MANE Select); coding-DNA position 2001, A replaced by G.
Protein change: p.Ala667=; no amino-acid change (alanine 667 retained).
Molecular consequence: synonymous variant.
Genome position (GRCh38, 1-based): chr3:50,187,758, A>G. VCF-style: chr3-50187758-A-G. GRCh37 (hg19) VCF-style: chr3-50225191-A-G.
Other names: c.1704A>G, p.Ala568= (NM_001318798.2); c.1908A>G, p.Ala636= (NM_001318800.2).
Identifiers: ClinVar variation 3350073 (VCV003350073.1).